The following is an entry in ClinVar:

ClinVar aggregate classification (germline): Pathogenic (1 of 4 stars; one submission).

Conditions:
Familial isolated deficiency of vitamin E (AVED). Also called: ATAXIA, FRIEDREICH-LIKE, WITH SELECTIVE VITAMIN E DEFICIENCY; Ataxia with isolated vitamin E deficiency. Identifiers: Orphanet 96, MedGen C1848533, MONDO:0010188, OMIM 277460.

Submission:

Myriad Genetics, Inc.
Classification: Pathogenic for Familial isolated deficiency of vitamin E. Last evaluated: 2023-09-21. Review status: criteria provided, single submitter. Criteria: Myriad Autosomal Dominant, Autosomal Recessive and X-Linked Classification Criteria (2023). Collection method: clinical testing. Allele origin: unknown.
Comment: NM_000370.3(TTPA):c.94_101dup8(A35Gfs*39) is expected to be pathogenic in the context of ataxia with vitamin E deficiency. This variant is predicted to lead to an abnormal or absent protein product due to the creation of a premature termination codon in TTPA, a gene where loss-of-function variants are known to be pathogenic. Please note: this variant was assessed in the context of healthy population screening.

NM_000370.3(TTPA):c.94_101dup (p.Ala35fs)

Gene: TTPA (alpha tocopherol transfer protein; minus strand). Cytogenetic location: 8q12.3.
Variant type: Duplication.
Coding change: c.94_101dup on transcript NM_000370.3 (MANE Select); coding-DNA positions 94 to 101, 8 bases duplicated (CGGCGCCG; older notation c.94_101dupCGGCGCCG).
Protein change: p.Ala35fs; shifts the reading frame from alanine 35.
Molecular consequence: frameshift variant. On other transcripts: non-coding transcript variant (3).
Genome position (GRCh38, 1-based): chr8:63,085,921-63,085,928, CGGCGCCG duplicated on the plus strand (CGGCGCCG on the coding strand, the reverse complement: TTPA is on the minus strand); duplicating any 8 consecutive bases within chr8:63,085,921-63,085,929 gives the same sequence; the c. name uses the placement nearest the transcript's 3' end. VCF-style (leftmost placement, unchanged base first): chr8-63085920-C-CCGGCGCCG. GRCh37 (hg19) VCF-style: chr8-63998479-C-CCGGCGCCG.
Other names: c.94_101dup, p.Ala35fs (NM_001413414.1, NM_001413415.1, NM_001413416.1 and 2 more transcripts); short protein forms A35fs.
Identifiers: ClinVar variation 5011718 (VCV005011718.1).